The following is an entry in ClinVar:

ClinVar aggregate classification (germline): Uncertain significance. Review status: criteria provided, multiple submitters, no conflicts (2 of 4 stars). 2 submissions from 2 submitters: Uncertain significance (2). Last evaluated 2025-10-21.

Conditions:
Inborn genetic diseases. Identifiers: MedGen C0950123, MeSH D030342.

gnomAD v4.1: 1 of 1,613,964 alleles (0.000062%); highest among the groups gnomAD compares: East Asian, 0.0022%; no homozygotes.

Submissions (2):

Ambry Genetics
Classification: Uncertain significance for Inborn genetic diseases. Last evaluated: 2025-10-21. Review status: criteria provided, single submitter. Criteria: Ambry Variant Classification Scheme 2023. Collection method: clinical testing. Allele origin: germline.
Comment: The p.C577R variant (also known as c.1729T>C), located in coding exon 1 of the SAMD9 gene, results from a T to C substitution at nucleotide position 1729. The cysteine at codon 577 is replaced by arginine, an amino acid with highly dissimilar properties. This amino acid position is conserved. In addition, this alteration is predicted to be tolerated by in silico analysis. Based on the available evidence, the clinical significance of this variant remains unclear.

Labcorp Genetics (formerly Invitae), Labcorp
Classification: Uncertain significance. Last evaluated: 2025-10-14. Review status: criteria provided, single submitter. Criteria: Invitae Variant Classification Sherloc (09022015). Collection method: clinical testing. Allele origin: germline.
Comment: This sequence change replaces cysteine, which is neutral and slightly polar, with arginine, which is basic and polar, at codon 577 of the SAMD9 protein (p.Cys577Arg). This variant is present in population databases (no rsID available, gnomAD 0.006%). This variant has not been reported in the literature in individuals affected with SAMD9-related conditions. Invitae Evidence Modeling of protein sequence and biophysical properties (such as structural, functional, and spatial information, amino acid conservation, physicochemical variation, residue mobility, and thermodynamic stability) has been performed for this missense variant. However, the output from this modeling did not meet the statistical confidence thresholds required to predict the impact of this variant on SAMD9 protein function. In summary, the available evidence is currently insufficient to determine the role of this variant in disease. Therefore, it has been classified as a Variant of Uncertain Significance.

NM_017654.4(SAMD9):c.1729T>C (p.Cys577Arg)

Gene: SAMD9 (sterile alpha motif domain containing 9; minus strand). Cytogenetic location: 7q21.2.
Variant type: single nucleotide variant.
Coding change: c.1729T>C on transcript NM_017654.4 (MANE Select); coding-DNA position 1729, T replaced by C.
Protein change: p.Cys577Arg; replaces cysteine 577 with arginine.
Molecular consequence: missense variant.
Genome position (GRCh38, 1-based): chr7:93,104,369, A>G on the plus strand (T>C on the coding strand, the complement: SAMD9 is on the minus strand). VCF-style: chr7-93104369-A-G. GRCh37 (hg19) VCF-style: chr7-92733682-A-G.
Other names: c.1729T>C, p.Cys577Arg (NM_001193307.2); short protein forms C577R.
Identifiers: ClinVar variation 4629886 (VCV004629886.2).